The following is an entry in ClinVar:

NM_144997.7(FLCN):c.1657T>C (p.Trp553Arg)

Gene: FLCN (folliculin; minus strand). Cytogenetic location: 17p11.2.
Variant type: single nucleotide variant.
Coding change: c.1657T>C on transcript NM_144997.7 (MANE Select); coding-DNA position 1657, T replaced by C.
Protein change: p.Trp553Arg; replaces tryptophan 553 with arginine.
Molecular consequence: missense variant.
Genome position (GRCh38, 1-based): chr17:17,213,738, A>G on the plus strand (T>C on the coding strand, the complement: FLCN is on the minus strand). VCF-style: chr17-17213738-A-G. GRCh37 (hg19) VCF-style: chr17-17117052-A-G.
Other names: c.1711T>C, p.Trp571Arg (NM_001353229.2); c.1657T>C, p.Trp553Arg (NM_001353230.2, NM_001353231.2); c.1657T>C (LRG_325t1); short protein forms W553R, W571R.
Identifiers: ClinVar variation 428647 (VCV000428647.26), dbSNP rs1131690833, ClinGen allele CA398529920.

ClinVar aggregate classification (germline): Pathogenic/Likely pathogenic. Review status: criteria provided, multiple submitters, no conflicts (2 of 4 stars). 5 submissions from 5 submitters: Pathogenic (1); Likely pathogenic (4). Last evaluated 2025-05-05.

Conditions:
Nonpapillary renal cell carcinoma. Identifiers: Orphanet 422526, MedGen CN074294, MONDO:0007763, OMIM 144700.
Familial spontaneous pneumothorax (PSP). Identifiers: Orphanet 2903, MedGen C1868193, MONDO:0008259, OMIM 173600.
Birt-Hogg-Dube syndrome. Also called: Birt Hogg Dubé syndrome. Identifiers: Orphanet 122, MedGen C0346010, MONDO:0800444.
17p11.2 microduplication syndrome (PTLS). Also called: CHROMOSOME 17p11.2 DUPLICATION SYNDROME; Potocki-Lupski syndrome; Duplication 17p11.2 syndrome; Potocki-Lupski syndrome (dup(17)(p11.2p11.2)). Identifiers: Orphanet 1713, MedGen C2931246, MONDO:0012574, OMIM 610883.
Colorectal cancer. Also called: Colorectal cancer, somatic; Malignant Colorectal Neoplasm. Identifiers: MedGen C0346629, MONDO:0005575, OMIM 114500.
Hereditary cancer-predisposing syndrome. Also called: Tumor predisposition; Hereditary Cancer Syndrome; Hereditary neoplastic syndrome; Neoplastic Syndromes, Hereditary. Identifiers: Orphanet 140162, MedGen C0027672, MeSH D009386, MONDO:0015356.
FLCN-related disorders.

Allele frequency attached by ClinVar (database versions not stated): gnomAD exomes below 0.00001.
gnomAD v4.1: 1 of 1,614,244 alleles (0.000062%); highest among the groups gnomAD compares: East Asian, 0.0022%; no homozygotes.

Submissions (5):

Ambry Genetics
Classification: Likely pathogenic for Hereditary cancer-predisposing syndrome. Last evaluated: 2025-05-05. Review status: criteria provided, single submitter. Criteria: Ambry Variant Classification Scheme 2023. Collection method: clinical testing. Allele origin: germline.
Comment: The p.W553R variant (also known as c.1657T>C), located in coding exon 11 of the FLCN gene, results from a T to C substitution at nucleotide position 1657. The tryptophan at codon 553 is replaced by arginine, an amino acid with dissimilar properties. This alteration has been observed in multiple individuals with a personal or family history that is consistent with FLCN-associated disease (Ambry internal data). Based on internal structural assessment, this alteration disrupts the C-terminal DENN-like domain, which is a guanine nucleotide exchange factor implicated in FLCN&rsquo;s role in membrane trafficking (Ambry internal data; Nookala RK et al. Open Biol, 2012 Aug;2:120071; Dodding MP. Small GTPases, 2017 04;8:100-105; Schmidt LS et al. Gene, 2018 Jan;640:28-42). This amino acid position is highly conserved in available vertebrate species. This variant is considered to be rare based on population cohorts in the Genome Aggregation Database (gnomAD). In addition, this alteration is predicted to be deleterious by in silico analysis. Based on the majority of available evidence to date, this variant is likely to be pathogenic.

Labcorp Genetics (formerly Invitae), Labcorp
Classification: Pathogenic for Birt-Hogg-Dube syndrome. Last evaluated: 2024-07-17. Review status: criteria provided, single submitter. Criteria: Invitae Variant Classification Sherloc (09022015). Collection method: clinical testing. Allele origin: germline.
Comment: This sequence change replaces tryptophan, which is neutral and slightly polar, with arginine, which is basic and polar, at codon 553 of the FLCN protein (p.Trp553Arg). This variant is not present in population databases (gnomAD no frequency). This missense change has been observed in individuals with clinical features of Birt-Hogg-Dubé syndrome (Invitae; external communications). It has also been observed to segregate with disease in related individuals. ClinVar contains an entry for this variant (Variation ID: 428647). Advanced modeling of protein sequence and biophysical properties (such as structural, functional, and spatial information, amino acid conservation, physicochemical variation, residue mobility, and thermodynamic stability) performed at Invitae indicates that this missense variant is expected to disrupt FLCN protein function with a positive predictive value of 80%. For these reasons, this variant has been classified as Pathogenic.

Blueprint Genetics
Classification: Likely pathogenic for FLCN-related disorders. Last evaluated: 2024-06-27. Review status: criteria provided, single submitter. Criteria: ACMG Guidelines, 2015. Collection method: clinical testing. Allele origin: germline. Affected: yes. Observed: 5 variant alleles.

GeneDx
Classification: Likely pathogenic. Last evaluated: 2023-09-14. Review status: criteria provided, single submitter. Criteria: GeneDx Variant Classification Process June 2021. Collection method: clinical testing. Allele origin: germline. Affected: yes.
Comment: Not observed at significant frequency in large population cohorts (gnomAD); In silico analysis supports that this missense variant has a deleterious effect on protein structure/function; Has not been previously published as pathogenic or benign to our knowledge; This variant is associated with the following publications: (PMID: 17028174)

Fulgent Genetics
Classification: Likely pathogenic for Colorectal cancer; Birt-Hogg-Dube syndrome 1; Nonpapillary renal cell carcinoma; Familial spontaneous pneumothorax; 17p11.2 microduplication syndrome. Last evaluated: 2021-11-08. Review status: criteria provided, single submitter. Criteria: ACMG Guidelines, 2015. Collection method: clinical testing. Allele origin: unknown.

Literature cited by the submitters: PubMed 22977732 (cited by Ambry Genetics); PubMed 27355777 (cited by Ambry Genetics); PubMed 28970150 (cited by Ambry Genetics).